The following is an entry in ClinVar:

NM_144643.4(SCLT1):c.1147-1G>T

Gene: SCLT1 (sodium channel and clathrin linker 1; minus strand). Cytogenetic location: 4q28.2.
Variant type: single nucleotide variant.
Coding change: c.1147-1G>T on transcript NM_144643.4 (MANE Select); the canonical splice acceptor site of the intron before coding-DNA position 1147, G replaced by T.
Molecular consequence: splice acceptor variant.
Genome position (GRCh38, 1-based): chr4:128,952,841, C>A on the plus strand (G>T on the coding strand, the complement: SCLT1 is on the minus strand). VCF-style: chr4-128952841-C-A. GRCh37 (hg19) VCF-style: chr4-129873996-C-A.
Other names: c.1147-1G>T (NM_001410807.1).
Identifiers: ClinVar variation 2133160 (VCV002133160.4), dbSNP rs1345480264, ClinGen allele CA358188136.

ClinVar aggregate classification (germline): Likely pathogenic (1 of 4 stars; one submission).

Submission:

Labcorp Genetics (formerly Invitae), Labcorp
Classification: Likely pathogenic. Last evaluated: 2022-05-03. Review status: criteria provided, single submitter. Criteria: Invitae Variant Classification Sherloc (09022015). Collection method: clinical testing. Allele origin: germline.
Comment: In summary, the currently available evidence indicates that the variant is pathogenic, but additional data are needed to prove that conclusively. Therefore, this variant has been classified as Likely Pathogenic. Algorithms developed to predict the effect of sequence changes on RNA splicing suggest that this variant may disrupt the consensus splice site. This variant has not been reported in the literature in individuals affected with SCLT1-related conditions. This variant is not present in population databases (gnomAD no frequency). This sequence change affects an acceptor splice site in intron 13 of the SCLT1 gene. It is expected to disrupt RNA splicing. Variants that disrupt the donor or acceptor splice site typically lead to a loss of protein function (PMID: 16199547), and loss-of-function variants in SCLT1 are known to be pathogenic (PMID: 28005958).

Literature cited by the submitters: PubMed 16199547; PubMed 28005958.